The following is an entry in ClinVar:

NM_024753.5(TTC21B):c.1840del (p.Ser614fs)

Gene: TTC21B (tetratricopeptide repeat domain 21B; minus strand). Cytogenetic location: 2q24.3.
Variant type: Deletion.
Coding change: c.1840del on transcript NM_024753.5 (MANE Select); coding-DNA position 1840, one base deleted (A; older notation c.1840delA).
Protein change: p.Ser614fs; shifts the reading frame from serine 614.
Molecular consequence: frameshift variant.
Genome position (GRCh38, 1-based): chr2:165,917,316, T deleted on the plus strand (A on the coding strand, the reverse complement: TTC21B is on the minus strand); the first of 2 consecutive T bases (chr2:165,917,316-165,917,317); deleting either gives the same sequence. VCF-style (leftmost placement, unchanged base first): chr2-165917315-CT-C. GRCh37 (hg19) VCF-style: chr2-166773825-CT-C.
Other names: short protein forms S614fs.
Identifiers: ClinVar variation 2035876 (VCV002035876.4), dbSNP rs2468180880, ClinGen allele CA2580064263.

ClinVar aggregate classification (germline): Pathogenic (1 of 4 stars; one submission).

Conditions:
Jeune thoracic dystrophy. Also called: Short-rib thoracic dysplasia; Jeune syndrome; Infantile thoracic dystrophy; Thoracic pelvic phalangeal dystrophy; Jeune's syndrome; Chondroectodermal dysplasia-like syndrome. Identifiers: Orphanet 474, MedGen C0265275, MONDO:0018770.
Nephronophthisis. Also called: Juvenile Nephronophthisis. Identifiers: Orphanet 655, MedGen C0687120, MONDO:0019005, HP:0000090.

Submission:

Labcorp Genetics (formerly Invitae), Labcorp
Classification: Pathogenic for Jeune thoracic dystrophy; Nephronophthisis. Last evaluated: 2022-10-17. Review status: criteria provided, single submitter. Criteria: Invitae Variant Classification Sherloc (09022015). Collection method: clinical testing. Allele origin: germline.
Comment: For these reasons, this variant has been classified as Pathogenic. This variant has not been reported in the literature in individuals affected with TTC21B-related conditions. This variant is not present in population databases (gnomAD no frequency). This sequence change creates a premature translational stop signal (p.Ser614Alafs*10) in the TTC21B gene. It is expected to result in an absent or disrupted protein product. Loss-of-function variants in TTC21B are known to be pathogenic (PMID: 18327258, 21068128, 21258341, 23559409, 24876116, 25492405, 27491411, 29068549).

Literature cited by the submitters: PubMed 18327258; PubMed 21068128; PubMed 21258341; PubMed 23559409; PubMed 24876116; PubMed 25492405; PubMed 27491411; PubMed 29068549.